The following is an entry in ClinVar:

NM_032043.3(BRIP1):c.1762G>T (p.Val588Leu)

Gene: BRIP1 (BRCA1 interacting DNA helicase 1; minus strand). Cytogenetic location: 17q23.2.
Variant type: single nucleotide variant.
Coding change: c.1762G>T on transcript NM_032043.3 (MANE Select); coding-DNA position 1762, G replaced by T.
Protein change: p.Val588Leu; replaces valine 588 with leucine.
Molecular consequence: missense variant.
Genome position (GRCh38, 1-based): chr17:61,780,872, C>A on the plus strand (G>T on the coding strand, the complement: BRIP1 is on the minus strand). VCF-style: chr17-61780872-C-A. GRCh37 (hg19) VCF-style: chr17-59858233-C-A.
Other names: short protein forms V588L.
Identifiers: ClinVar variation 3240979 (VCV003240979.2), dbSNP rs876660355.

ClinVar aggregate classification (germline): Uncertain significance. Review status: criteria provided, multiple submitters, no conflicts (2 of 4 stars). 2 submissions from 2 submitters: Uncertain significance (2). Last evaluated 2026-07-05.

Conditions:
Familial cancer of breast. Also called: BREAST CANCER, FAMILIAL; Hereditary breast cancer; hereditary breast carcinoma. Identifiers: Orphanet 227535, MedGen C0346153, MONDO:0016419, OMIM 114480. Disease mechanism: loss of function.
Hereditary cancer-predisposing syndrome. Also called: Neoplastic Syndromes, Hereditary; Tumor predisposition; Hereditary Cancer Syndrome; Hereditary neoplastic syndrome. Identifiers: Orphanet 140162, MedGen C0027672, MeSH D009386, MONDO:0015356.

Submissions (2):

Ambry Genetics
Classification: Uncertain significance for Hereditary cancer-predisposing syndrome. Last evaluated: 2026-07-05. Review status: criteria provided, single submitter. Criteria: Ambry Variant Classification Scheme 2023. Collection method: clinical testing. Allele origin: germline.
Comment: The p.V588L variant (also known as c.1762G>T), located in coding exon 11 of the BRIP1 gene, results from a G to T substitution at nucleotide position 1762. The valine at codon 588 is replaced by leucine, an amino acid with highly similar properties. This amino acid position is conserved. In addition, this alteration is predicted to be tolerated by in silico analysis. Based on the available evidence, the clinical significance of this variant remains unclear.

Baylor Genetics
Classification: Uncertain significance for Familial cancer of breast. Last evaluated: 2023-11-03. Review status: criteria provided, single submitter. Criteria: ACMG Guidelines, 2015. Collection method: clinical testing. Allele origin: unknown.